The following is an entry in ClinVar:

NM_001330360.2(POLA1):c.3343G>A (p.Val1115Met)

Gene: POLA1 (DNA polymerase alpha 1, catalytic subunit; plus strand). Cytogenetic location: Xp22.11.
Variant type: single nucleotide variant.
Coding change: c.3343G>A on transcript NM_001330360.2 (MANE Select); coding-DNA position 3343, G replaced by A.
Protein change: p.Val1115Met; replaces valine 1115 with methionine.
Molecular consequence: missense variant. On other transcripts: non-coding transcript variant (2).
Genome position (GRCh38, 1-based): chrX:24,815,025, G>A. VCF-style: chrX-24815025-G-A. GRCh37 (hg19) VCF-style: chrX-24833142-G-A.
Other names: c.3268G>A, p.Val1090Met (NM_001378303.1); c.3325G>A, p.Val1109Met (NM_016937.4); short protein forms V1090M, V1115M, V1109M.
Identifiers: ClinVar variation 1379650 (VCV001379650.8), dbSNP rs1338795070, ClinGen allele CA412525736.

ClinVar aggregate classification (germline): Uncertain significance (1 of 4 stars; one submission).

Allele frequency attached by ClinVar (database versions not stated): gnomAD 0.00001; gnomAD exomes 0.00001.
gnomAD v4.1: 19 of 1,173,743 alleles (0.0016%); highest among the groups gnomAD compares: Non-Finnish European, 0.0021%; no homozygotes.

Submission:

Labcorp Genetics (formerly Invitae), Labcorp
Classification: Uncertain significance. Last evaluated: 2023-04-29. Review status: criteria provided, single submitter. Criteria: Invitae Variant Classification Sherloc (09022015). Collection method: clinical testing. Allele origin: germline.
Comment: In summary, the available evidence is currently insufficient to determine the role of this variant in disease. Therefore, it has been classified as a Variant of Uncertain Significance. Advanced modeling of protein sequence and biophysical properties (such as structural, functional, and spatial information, amino acid conservation, physicochemical variation, residue mobility, and thermodynamic stability) performed at Invitae indicates that this missense variant is expected to disrupt POLA1 protein function. ClinVar contains an entry for this variant (Variation ID: 1379650). This variant has not been reported in the literature in individuals affected with POLA1-related conditions. This variant is present in population databases (no rsID available, gnomAD 0.003%). This sequence change replaces valine, which is neutral and non-polar, with methionine, which is neutral and non-polar, at codon 1109 of the POLA1 protein (p.Val1109Met).